The following is an entry in ClinVar:

ClinVar aggregate classification (germline): Conflicting classifications of pathogenicity. Review status: criteria provided, conflicting classifications (1 of 4 stars). 2 submissions from 2 submitters: Uncertain significance (1); Likely benign (1). Last evaluated 2026-01-06.

Conditions:
VPS13B-related disorder. Also called: VPS13B-related condition.
Cohen syndrome (COH1). Also called: PEPPER SYNDROME; Cutis verticis gyrata, retinitis pigmentosa, and sensorineural deafness. Identifiers: Orphanet 193, MedGen C0265223, MONDO:0008999, OMIM 216550.

gnomAD v4.1: 2 of 1,613,234 alleles (0.00012%); highest among the groups gnomAD compares: Non-Finnish European, 0.00017%; no homozygotes.

Submissions (2):

PreventionGenetics, part of Exact Sciences
Classification: Likely benign for VPS13B-related condition. Last evaluated: 2026-01-06. Review status: criteria provided, single submitter. Criteria: ACMG Guidelines, 2015. Collection method: clinical testing. Allele origin: germline.
Comment: This variant is classified as likely benign based on ACMG/AMP sequence variant interpretation guidelines (Richards et al. 2015 PMID: 25741868, with internal and published modifications).

Illumina Laboratory Services, Illumina
Classification: Uncertain significance for Cohen syndrome. Last evaluated: 2018-01-13. Review status: criteria provided, single submitter. Criteria: ICSL Variant Classification Criteria 13 December 2019. Collection method: clinical testing. Allele origin: germline.

NM_152564.5(VPS13B):c.3667-5C>G

Gene: VPS13B (vacuolar protein sorting 13 homolog B; plus strand). Cytogenetic location: 8q22.2.
Variant type: single nucleotide variant.
Coding change: c.3667-5C>G on transcript NM_152564.5 (MANE Select); 5 bases into the intron before coding-DNA position 3667, C replaced by G.
Molecular consequence: intron variant.
Genome position (GRCh38, 1-based): chr8:99,481,594, C>G. VCF-style: chr8-99481594-C-G. GRCh37 (hg19) VCF-style: chr8-100493822-C-G.
Other names: c.3667-5C>G (NM_017890.5, NM_152564.4).
Identifiers: ClinVar variation 361058 (VCV000361058.6), dbSNP rs886062540, ClinGen allele CA10628514.